The following is an entry in ClinVar:

NM_006206.6(PDGFRA):c.416T>C (p.Ile139Thr)

Gene: PDGFRA (platelet derived growth factor receptor alpha; plus strand). Cytogenetic location: 4q12.
Variant type: single nucleotide variant.
Coding change: c.416T>C on transcript NM_006206.6 (MANE Select); coding-DNA position 416, T replaced by C.
Protein change: p.Ile139Thr; replaces isoleucine 139 with threonine.
Molecular consequence: missense variant.
Genome position (GRCh38, 1-based): chr4:54,263,715, T>C. VCF-style: chr4-54263715-T-C. GRCh37 (hg19) VCF-style: chr4-55129882-T-C.
Other names: c.416T>C, p.Ile139Thr (NM_001347827.2, NM_001347829.2); c.491T>C, p.Ile164Thr (NM_001347828.2); c.455T>C, p.Ile152Thr (NM_001347830.2); short protein forms I164T, I152T, I139T.
Identifiers: ClinVar variation 2107335 (VCV002107335.4), dbSNP rs2475433536, ClinGen allele CA356889756.

ClinVar aggregate classification (germline): Uncertain significance (1 of 4 stars; one submission).

Conditions:
Gastrointestinal stromal tumor. Also called: Gastrointestinal stroma tumor; Gastrointestinal stromal tumor, somatic. Identifiers: Orphanet 44890, MedGen C0238198, MeSH D046152, MONDO:0011719, OMIM 606764, HP:0100723.

Submission:

Labcorp Genetics (formerly Invitae), Labcorp
Classification: Uncertain significance for Gastrointestinal stromal tumor. Last evaluated: 2022-03-06. Review status: criteria provided, single submitter. Criteria: Invitae Variant Classification Sherloc (09022015). Collection method: clinical testing. Allele origin: germline.
Comment: In summary, the available evidence is currently insufficient to determine the role of this variant in disease. Therefore, it has been classified as a Variant of Uncertain Significance. Algorithms developed to predict the effect of missense changes on protein structure and function (SIFT, PolyPhen-2, Align-GVGD) all suggest that this variant is likely to be tolerated. This variant has not been reported in the literature in individuals affected with PDGFRA-related conditions. This variant is not present in population databases (gnomAD no frequency). This sequence change replaces isoleucine, which is neutral and non-polar, with threonine, which is neutral and polar, at codon 139 of the PDGFRA protein (p.Ile139Thr).